The following is an entry in ClinVar:

ClinVar aggregate classification (germline): Uncertain significance (1 of 4 stars; one submission).

Conditions:
Cryopyrin associated periodic syndrome (CAPS). Identifiers: Orphanet 208650, MedGen C2316212, MONDO:0016168.

Allele frequency attached by ClinVar (database versions not stated): gnomAD 0.00001; TOPMed 0.00001; gnomAD exomes below 0.00001.
gnomAD v4.1: 7 of 1,614,022 alleles (0.00043%); highest among the groups gnomAD compares: Non-Finnish European, 0.00059%; no homozygotes.

Submission:

Labcorp Genetics (formerly Invitae), Labcorp
Classification: Uncertain significance for Cryopyrin associated periodic syndrome. Last evaluated: 2023-09-21. Review status: criteria provided, single submitter. Criteria: Invitae Variant Classification Sherloc (09022015). Collection method: clinical testing. Allele origin: germline.
Comment: This sequence change replaces lysine, which is basic and polar, with threonine, which is neutral and polar, at codon 927 of the NLRP3 protein (p.Lys927Thr). This variant is not present in population databases (gnomAD no frequency). In summary, the available evidence is currently insufficient to determine the role of this variant in disease. Therefore, it has been classified as a Variant of Uncertain Significance. Advanced modeling of protein sequence and biophysical properties (such as structural, functional, and spatial information, amino acid conservation, physicochemical variation, residue mobility, and thermodynamic stability) performed at Invitae indicates that this missense variant is not expected to disrupt NLRP3 protein function. This variant has not been reported in the literature in individuals affected with NLRP3-related conditions.

NM_001243133.2(NLRP3):c.2774A>C (p.Lys925Thr)

Gene: NLRP3 (NLR family pyrin domain containing 3; plus strand). Cytogenetic location: 1q44.
Variant type: single nucleotide variant.
Coding change: c.2774A>C on transcript NM_001243133.2 (MANE Select); coding-DNA position 2774, A replaced by C.
Protein change: p.Lys925Thr; replaces lysine 925 with threonine.
Molecular consequence: missense variant.
Genome position (GRCh38, 1-based): chr1:247,444,082, A>C. VCF-style: chr1-247444082-A-C. GRCh37 (hg19) VCF-style: chr1-247607384-A-C.
Other names: c.2774A>C, p.Lys925Thr (NM_001079821.3); c.2603A>C, p.Lys868Thr (NM_001127461.3, NM_001127462.3); c.2780A>C, p.Lys927Thr (NM_004895.5); c.2432A>C, p.Lys811Thr (NM_183395.3); short protein forms K868T, K811T, K927T, K925T.
Identifiers: ClinVar variation 2893685 (VCV002893685.3), dbSNP rs1024627542, ClinGen allele CA345565169.